The following is an entry in ClinVar:

NM_177438.3(DICER1):c.1766A>G (p.Lys589Arg)

Gene: DICER1 (dicer 1, ribonuclease III; minus strand). Cytogenetic location: 14q32.13.
Variant type: single nucleotide variant.
Coding change: c.1766A>G on transcript NM_177438.3 (MANE Select); coding-DNA position 1766, A replaced by G.
Protein change: p.Lys589Arg; replaces lysine 589 with arginine.
Molecular consequence: missense variant.
Genome position (GRCh38, 1-based): chr14:95,115,808, T>C on the plus strand (A>G on the coding strand, the complement: DICER1 is on the minus strand). VCF-style: chr14-95115808-T-C. GRCh37 (hg19) VCF-style: chr14-95582145-T-C.
Other names: c.1766A>G, p.Lys589Arg (NM_001195573.1, NM_001271282.3, NM_001291628.2 and 1 more transcripts); short protein forms K589R.
Identifiers: ClinVar variation 820017 (VCV000820017.12), dbSNP rs1595407206, ClinGen allele CA390884177.

ClinVar aggregate classification (germline): Uncertain significance. Review status: criteria provided, multiple submitters, no conflicts (2 of 4 stars). 2 submissions from 2 submitters: Uncertain significance (2). Last evaluated 2025-11-05.

Conditions:
Hereditary cancer-predisposing syndrome. Also called: Hereditary Cancer Syndrome; Neoplastic Syndromes, Hereditary; Hereditary neoplastic syndrome; Tumor predisposition. Identifiers: Orphanet 140162, MedGen C0027672, MeSH D009386, MONDO:0015356.
DICER1-related tumor predisposition. Also called: DICER1-related pleuropulmonary blastoma cancer predisposition syndrome; DICER1 syndrome. Identifiers: Orphanet 284343, MedGen C3839822, MONDO:0100216.

Allele frequency attached by ClinVar (database versions not stated): gnomAD exomes below 0.00001.
gnomAD v4.1: 1 of 1,614,166 alleles (0.000062%); highest among the groups gnomAD compares: Non-Finnish European, 0.000085%; no homozygotes.

Submissions (2):

Labcorp Genetics (formerly Invitae), Labcorp
Classification: Uncertain significance for DICER1-related tumor predisposition. Last evaluated: 2025-11-05. Review status: criteria provided, single submitter. Criteria: Invitae Variant Classification Sherloc (09022015). Collection method: clinical testing. Allele origin: germline.
Comment: This sequence change replaces lysine, which is basic and polar, with arginine, which is basic and polar, at codon 589 of the DICER1 protein (p.Lys589Arg). This variant is not present in population databases (gnomAD no frequency). This variant has not been reported in the literature in individuals affected with DICER1-related conditions. ClinVar contains an entry for this variant (Variation ID: 820017). Invitae Evidence Modeling of protein sequence and biophysical properties (such as structural, functional, and spatial information, amino acid conservation, physicochemical variation, residue mobility, and thermodynamic stability) indicates that this missense variant is not expected to disrupt DICER1 protein function with a negative predictive value of 95%. In summary, the available evidence is currently insufficient to determine the role of this variant in disease. Therefore, it has been classified as a Variant of Uncertain Significance.

Ambry Genetics
Classification: Uncertain significance for Hereditary cancer-predisposing syndrome. Last evaluated: 2021-05-05. Review status: criteria provided, single submitter. Criteria: Ambry Variant Classification Scheme 2023. Collection method: clinical testing. Allele origin: germline.
Comment: The p.K589R variant (also known as c.1766A>G), located in coding exon 10 of the DICER1 gene, results from an A to G substitution at nucleotide position 1766. The lysine at codon 589 is replaced by arginine, an amino acid with highly similar properties. This amino acid position is highly conserved in available vertebrate species. In addition, this alteration is predicted to be tolerated by in silico analysis. Since supporting evidence is limited at this time, the clinical significance of this alteration remains unclear.